The following is an entry in ClinVar:

ClinVar aggregate classification (germline): Uncertain significance. Review status: criteria provided, multiple submitters, no conflicts (2 of 4 stars). 2 submissions from 2 submitters: Uncertain significance (2). Last evaluated 2026-09-11.

Conditions:
Cardiovascular phenotype. Identifiers: MedGen CN230736.
Arrhythmogenic right ventricular dysplasia 9 (ARVD9). Also called: Arrhythmogenic Right Ventricular Dysplasia/Cardiomyopathy 9; ARRHYTHMOGENIC RIGHT VENTRICULAR DYSPLASIA, FAMILIAL, 9. Identifiers: MedGen C1836906, MONDO:0012180, OMIM 609040.

Allele frequency attached by ClinVar (database versions not stated): TOPMed below 0.00001.

Submissions (2):

Ambry Genetics
Classification: Uncertain significance for Cardiovascular phenotype. Last evaluated: 2026-09-11. Review status: criteria provided, single submitter. Criteria: Ambry Variant Classification Scheme 2023. Collection method: clinical testing. Allele origin: germline.
Comment: The p.M519L variant (also known as c.1555A>C), located in coding exon 7 of the PKP2 gene, results from an A to C substitution at nucleotide position 1555. The methionine at codon 519 is replaced by leucine, an amino acid with highly similar properties. This amino acid position is conserved. In addition, this alteration is predicted to be tolerated by in silico analysis. Based on the available evidence, the clinical significance of this variant remains unclear.

Labcorp Genetics (formerly Invitae), Labcorp
Classification: Uncertain significance for Arrhythmogenic right ventricular dysplasia 9. Last evaluated: 2022-05-01. Review status: criteria provided, single submitter. Criteria: Invitae Variant Classification Sherloc (09022015). Collection method: clinical testing. Allele origin: germline.
Comment: In summary, the available evidence is currently insufficient to determine the role of this variant in disease. Therefore, it has been classified as a Variant of Uncertain Significance. Algorithms developed to predict the effect of missense changes on protein structure and function output the following: SIFT: "Tolerated"; PolyPhen-2: "Benign"; Align-GVGD: "Class C0". The leucine amino acid residue is found in multiple mammalian species, which suggests that this missense change does not adversely affect protein function. This variant has not been reported in the literature in individuals affected with PKP2-related conditions. This variant is present in population databases (no rsID available, gnomAD 0.003%). This sequence change replaces methionine, which is neutral and non-polar, with leucine, which is neutral and non-polar, at codon 519 of the PKP2 protein (p.Met519Leu).

NM_001005242.3(PKP2):c.1423A>C (p.Met475Leu)

Gene: PKP2 (plakophilin 2; minus strand). Cytogenetic location: 12p11.21.
Variant type: single nucleotide variant.
Coding change: c.1423A>C on transcript NM_001005242.3 (MANE Select); coding-DNA position 1423, A replaced by C.
Protein change: p.Met475Leu; replaces methionine 475 with leucine.
Molecular consequence: missense variant.
Genome position (GRCh38, 1-based): chr12:32,841,161, T>G on the plus strand (A>C on the coding strand, the complement: PKP2 is on the minus strand). VCF-style: chr12-32841161-T-G. GRCh37 (hg19) VCF-style: chr12-32994095-T-G.
Other names: c.1423A>C, p.Met475Leu (NM_001407155.1, NM_001407156.1, NM_001407161.1); c.1555A>C, p.Met519Leu (NM_001407157.1, NM_004572.4); c.1096A>C, p.Met366Leu (NM_001407158.1, NM_001407159.1, NM_001407160.1 and 1 more transcripts); short protein forms M366L, M475L, M519L.
Identifiers: ClinVar variation 2188535 (VCV002188535.6), dbSNP rs751517092, ClinGen allele CA384367986.